The following is an entry in ClinVar:

ClinVar aggregate classification (germline): Uncertain significance (1 of 4 stars; one submission).

Conditions:
Hypertrophic cardiomyopathy. Also called: HYPERTROPHIC MYOCARDIOPATHY. Identifiers: Orphanet 217569, MedGen C0007194, MeSH D002312, MONDO:0005045, HP:0001639.

Submission:

Labcorp Genetics (formerly Invitae), Labcorp
Classification: Uncertain significance for Hypertrophic cardiomyopathy. Last evaluated: 2023-10-13. Review status: criteria provided, single submitter. Criteria: Invitae Variant Classification Sherloc (09022015). Collection method: clinical testing. Allele origin: germline.
Comment: This sequence change replaces glutamine, which is neutral and polar, with lysine, which is basic and polar, at codon 175 of the TNNI3 protein (p.Gln175Lys). This variant is not present in population databases (gnomAD no frequency). This variant has not been reported in the literature in individuals affected with TNNI3-related conditions. ClinVar contains an entry for this variant (Variation ID: 1476616). An algorithm developed to predict the effect of missense changes on protein structure and function (PolyPhen-2) suggests that this variant is likely to be disruptive. In summary, the available evidence is currently insufficient to determine the role of this variant in disease. Therefore, it has been classified as a Variant of Uncertain Significance.

NM_000363.5(TNNI3):c.523C>A (p.Gln175Lys)

Gene: TNNI3 (troponin I3, cardiac type; minus strand). Cytogenetic location: 19q13.42.
Variant type: single nucleotide variant.
Coding change: c.523C>A on transcript NM_000363.5 (MANE Select); coding-DNA position 523, C replaced by A.
Protein change: p.Gln175Lys; replaces glutamine 175 with lysine.
Molecular consequence: missense variant.
Genome position (GRCh38, 1-based): chr19:55,154,056, G>T on the plus strand (C>A on the coding strand, the complement: TNNI3 is on the minus strand). VCF-style: chr19-55154056-G-T. GRCh37 (hg19) VCF-style: chr19-55665424-G-T.
Other names: short protein forms Q175K.
Identifiers: ClinVar variation 1476616 (VCV001476616.8), dbSNP rs876661394, ClinGen allele CA407440277.